The following is an entry in ClinVar:

ClinVar aggregate classification (germline): Conflicting classifications of pathogenicity. Review status: criteria provided, conflicting classifications (1 of 4 stars). 2 submissions from 2 submitters: Uncertain significance (1); Likely benign (1). Last evaluated 2025-12-06.

gnomAD v4.1: 19 of 1,084,775 alleles (0.0018%); highest among the groups gnomAD compares: South Asian, 0.0023%; no homozygotes.

Submissions (2):

Labcorp Genetics (formerly Invitae), Labcorp
Classification: Uncertain significance. Last evaluated: 2025-12-06. Review status: criteria provided, single submitter. Criteria: Invitae Variant Classification Sherloc (09022015). Collection method: clinical testing. Allele origin: germline.
Comment: This sequence change replaces arginine, which is basic and polar, with histidine, which is basic and polar, at codon 209 of the NYX protein (p.Arg209His). The frequency data for this variant in the population databases is considered unreliable, as metrics indicate poor data quality at this position in the gnomAD database. This variant has not been reported in the literature in individuals affected with NYX-related conditions. Invitae Evidence Modeling of protein sequence and biophysical properties (such as structural, functional, and spatial information, amino acid conservation, physicochemical variation, residue mobility, and thermodynamic stability) indicates that this missense variant is not expected to disrupt NYX protein function with a negative predictive value of 80%. In summary, the available evidence is currently insufficient to determine the role of this variant in disease. Therefore, it has been classified as a Variant of Uncertain Significance.

Blueprint Genetics
Classification: Likely benign. Last evaluated: 2024-10-18. Review status: criteria provided, single submitter. Criteria: ACMG Guidelines, 2015. Collection method: clinical testing. Allele origin: germline.

NM_001378477.3(NYX):c.611G>A (p.Arg204His)

Gene: NYX (nyctalopin; plus strand). Cytogenetic location: Xp11.4.
Variant type: single nucleotide variant.
Coding change: c.611G>A on transcript NM_001378477.3 (MANE Select); coding-DNA position 611, G replaced by A.
Protein change: p.Arg204His; replaces arginine 204 with histidine.
Molecular consequence: missense variant.
Genome position (GRCh38, 1-based): chrX:41,474,079, G>A. VCF-style: chrX-41474079-G-A. GRCh37 (hg19) VCF-style: chrX-41333332-G-A.
Other names: c.611G>A, p.Arg204His (NM_022567.3); short protein forms R204H.
Identifiers: ClinVar variation 4750786 (VCV004750786.2).
Genomic context (GRCh38, chrX:41,474,079, plus strand): 5'-TGGAGCGCGGCCGCATCGAGGCGGTGGCCTCCAGCTCGCTGCAGGGCCTGCGCCGCCTGC[G>A]CTCGCTCAGCCTGCAGGCCAACCGCGTCCGTGCCGTGCACGCTGGCGCCTTCGGGGACTG-3'
Protein context (NP_001365406.2, residues 194-214): SSSLQGLRRL[Arg204His]SLSLQANRVR